The following is an entry in ClinVar:

NM_000059.3:c.3847_3848delTG

Gene: BRCA2 (BRCA2 DNA repair associated; plus strand). Cytogenetic location: 13q13.1.
Variant type: Deletion.
Other names: c.3847_3848del (LRG_293t1).
Identifiers: ClinVar variation 182328 (VCV000182328.2), dbSNP rs80359405.

ClinVar aggregate classification (germline): Pathogenic (1 of 4 stars; one submission).

Conditions:
Familial cancer of breast. Also called: BREAST CANCER, FAMILIAL; Hereditary breast cancer; hereditary breast carcinoma. Identifiers: Orphanet 227535, MedGen C0346153, MONDO:0016419, OMIM 114480. Disease mechanism: loss of function.

Submission:

GeneDx
Classification: Pathogenic for Familial cancer of breast. Last evaluated: 2014-03-24. Review status: criteria provided, single submitter. Criteria: GeneDx Variant Classification (06012015). Collection method: clinical testing. Allele origin: germline. Affected: yes.
Comment: This variant is denoted BRCA2 c.3847_3848delGT at the cDNA level and p.Val1283LysfsX2 (V1283KfsX2) at the protein level. The normal sequence, with the bases that are deleted in brackets, is AACT{GT}AAGT. The deletion causes a frameshift, which changes a Valine to a Lysine at codon 1283 in exon 11, and creates a premature stop codon at position 2 of the new reading frame. This variant is predicted to cause loss of normal protein function through either protein truncation or nonsense-mediated mRNA decay. BRCA2 c.3847_3848delGT, previously reported as 4075delGT, has been reported in association with breast and ovarian cancer (Tavtigian 1996). BRCA2 c.3847_3848delGT is also a common variant in Norwegian and Danish populations (Janavicius 2010). We therefore consider this variant to be pathogenic and is indicative of Hereditary Breast and Ovarian Cancer (HBOC) syndrome, an autosomal dominant condition that predisposes to breast and ovarian cancer as well as other cancers. The predominant BRCA2-related cancer risks for women who have not been diagnosed with cancer have been estimated as 41% - 84% lifetime risk for breast cancer and 11% - 27% lifetime risk for ovarian cancer (Ford 1998, Risch 2006). BRCA2 variants have also been reported in women with fallopian tube carcinoma, primary peritoneal carcinoma, and uterine serous carcinoma (Levine 2003, Biron-Shental 2006). Women with BRCA1/2 variants also have an increased risk for contralateral breast cancer. Women with BRCA variants whose first cancer was diagnosed under age 40 have a 21-31% risk to develop a second breast cancer within 10 years and a 63% risk to develop a second breast cancer within 25 years. Women with BRCA variants whose first cancer was diagnosed between ages 40 and 50 have an 11-13% risk to develop a second breast cancer within 10 years and a 44-49% risk within 25 years. Women with BRCA variants whose first cancer was diagnosed after age 50 have an 8% risk to develop a second breast cancer within 10 years and a 20% risk within 25 years (Graeser 2009). Other cancer risks associated with a BRCA2 variant include up to a 7% risk for pancreatic cancer (Ozcelik 1997, The Breast Cancer Linkage Consortium 1999), up to a 34% risk for prostate cancer in male carriers (Thompson 2001), and up to a 7% risk for male breast cancer (Liede 2004). Fanconi Anemia (FA) is a rare autosomal recessive condition that can be caused by two variants (one from each parent) in the BRCA2 gene. This condition is characterized by an increased risk for malignancy in children including leukemia and certain solid tumors as well as physical abnormalities and bone marrow failure. If a BRCA2 variant carrier’s partner is also heterozygous for a BRCA2 variant, the risk to have a child with FA is 25% with each pregnancy.The variant is found in BRCA panel(s).